The following is an entry in ClinVar:

NM_003919.3(SGCE):c.1271C>G (p.Thr424Ser)

Genes: CASD1 (CAS1 domain sialic acid O acetyltransferase 1; plus strand), SGCE (sarcoglycan epsilon; minus strand). Cytogenetic location: 7q21.3.
Variant type: single nucleotide variant.
Coding change: c.1271C>G on transcript NM_003919.3 (MANE Select); coding-DNA position 1271, C replaced by G.
Protein change: p.Thr424Ser; replaces threonine 424 with serine.
Molecular consequence: missense variant.
Genome position (GRCh38, 1-based): chr7:94,588,715, G>C on the plus strand (C>G on the coding strand, the complement: SGCE is on the minus strand). VCF-style: chr7-94588715-G-C. GRCh37 (hg19) VCF-style: chr7-94218027-G-C.
Other names: c.1244C>G, p.Thr415Ser (NM_001099400.2, NM_001346717.2); c.1346C>G, p.Thr449Ser (NM_001099401.2); c.1148C>G, p.Thr383Ser (NM_001301139.2); c.1379C>G, p.Thr460Ser (NM_001346713.2); c.1352C>G, p.Thr451Ser (NM_001346715.2); c.1184C>G, p.Thr395Ser (NM_001346719.2); c.998C>G, p.Thr333Ser (NM_001346720.2); c.1157C>G, p.Thr386Ser (NM_001362807.2); and 2 more; short protein forms T374S, T383S, T324S, T424S, T451S, T333S, T386S, T395S.
Identifiers: ClinVar variation 2184031 (VCV002184031.4), dbSNP rs2484838608, ClinGen allele CA368228277.

ClinVar aggregate classification (germline): Uncertain significance (1 of 4 stars; one submission).

Conditions:
Myoclonic dystonia 11 (DYT11). Also called: Myoclonic dystonia; Dystonia 11; Dystonia, alcohol responsive; Hereditary essential myoclonus; SGCE Myoclonus-Dystonia; Myoclonus-Dystonia. Identifiers: Orphanet 36899, MedGen C1834570, MONDO:0008044, OMIM 159900.

Allele frequency attached by ClinVar (database versions not stated): gnomAD exomes below 0.00001.
gnomAD v4.1: 1 of 1,610,960 alleles (0.000062%); highest among the groups gnomAD compares: African/African-American, 0.0013%; no homozygotes.

Submission:

Labcorp Genetics (formerly Invitae), Labcorp
Classification: Uncertain significance for Myoclonic dystonia 11. Last evaluated: 2025-10-10. Review status: criteria provided, single submitter. Criteria: Invitae Variant Classification Sherloc (09022015). Collection method: clinical testing. Allele origin: germline.
Comment: This sequence change replaces threonine, which is neutral and polar, with serine, which is neutral and polar, at codon 424 of the SGCE protein (p.Thr424Ser). This variant is not present in population databases (gnomAD no frequency). This variant has not been reported in the literature in individuals affected with SGCE-related conditions. ClinVar contains an entry for this variant (Variation ID: 2184031). An algorithm developed to predict the effect of missense changes on protein structure and function (PolyPhen-2) suggests that this variant is likely to be disruptive. In summary, the available evidence is currently insufficient to determine the role of this variant in disease. Therefore, it has been classified as a Variant of Uncertain Significance.